The following is an entry in ClinVar:

NM_181486.4(TBX5):c.322C>G (p.Pro108Ala)

Gene: TBX5 (T-box transcription factor 5; minus strand). Cytogenetic location: 12q24.21.
Variant type: single nucleotide variant.
Coding change: c.322C>G on transcript NM_181486.4 (MANE Select); coding-DNA position 322, C replaced by G.
Protein change: p.Pro108Ala; replaces proline 108 with alanine.
Molecular consequence: missense variant.
Genome position (GRCh38, 1-based): chr12:114,399,553, G>C on the plus strand (C>G on the coding strand, the complement: TBX5 is on the minus strand). VCF-style: chr12-114399553-G-C. GRCh37 (hg19) VCF-style: chr12-114837358-G-C.
Other names: c.322C>G, p.Pro108Ala (NM_000192.3); c.172C>G, p.Pro58Ala (NM_080717.4); short protein forms P58A, P108A.
Identifiers: ClinVar variation 1729168 (VCV001729168.2), dbSNP rs376621016, ClinGen allele CA386862621.

ClinVar aggregate classification (germline): Uncertain significance (1 of 4 stars; one submission).

Conditions:
Cardiovascular phenotype. Identifiers: MedGen CN230736.

Submission:

Ambry Genetics
Classification: Uncertain significance for Cardiovascular phenotype. Last evaluated: 2023-12-26. Review status: criteria provided, single submitter. Criteria: Ambry Variant Classification Scheme 2023. Collection method: clinical testing. Allele origin: germline.
Comment: The p.P108A variant (also known as c.322C>G), located in coding exon 3 of the TBX5 gene, results from a C to G substitution at nucleotide position 322. The proline at codon 108 is replaced by alanine, an amino acid with highly similar properties. This amino acid position is highly conserved in available vertebrate species. In addition, this alteration is predicted to be deleterious by in silico analysis. Since supporting evidence is limited at this time, the clinical significance of this alteration remains unclear.